The following is an entry in ClinVar:

ClinVar aggregate classification (germline): Uncertain significance (0 of 4 stars; one submission).

Conditions:
PLXNA2-related disorder. Also called: PLXNA2-related condition.

gnomAD v4.1: 10 of 1,613,338 alleles (0.00062%); highest among the groups gnomAD compares: Admixed American, 0.0017%; no homozygotes.

Submission:

PreventionGenetics, part of Exact Sciences
Classification: Uncertain significance for PLXNA2-related condition. Last evaluated: 2024-08-14. Review status: no assertion criteria provided. Collection method: clinical testing. Allele origin: germline.
Comment: The PLXNA2 c.2528G>A variant is predicted to result in the amino acid substitution p.Ser843Asn. To our knowledge, this variant has not been reported in the literature. This variant is reported in 0.0040% of alleles in individuals of African descent in gnomAD. At this time, the clinical significance of this variant is uncertain due to the absence of conclusive functional and genetic evidence.

NM_025179.4(PLXNA2):c.2528G>A (p.Ser843Asn)

Gene: PLXNA2 (plexin A2; minus strand). Cytogenetic location: 1q32.2.
Variant type: single nucleotide variant.
Coding change: c.2528G>A on transcript NM_025179.4 (MANE Select); coding-DNA position 2528, G replaced by A.
Protein change: p.Ser843Asn; replaces serine 843 with asparagine.
Molecular consequence: missense variant.
Genome position (GRCh38, 1-based): chr1:208,079,318, C>T on the plus strand (G>A on the coding strand, the complement: PLXNA2 is on the minus strand). VCF-style: chr1-208079318-C-T. GRCh37 (hg19) VCF-style: chr1-208252663-C-T.
Other names: short protein forms S843N.
Identifiers: ClinVar variation 3354847 (VCV003354847.1).